The following is an entry in ClinVar:

NM_022168.4(IFIH1):c.2189G>C (p.Ser730Thr)

Gene: IFIH1 (interferon induced with helicase C domain 1; minus strand). Cytogenetic location: 2q24.2.
Variant type: single nucleotide variant.
Coding change: c.2189G>C on transcript NM_022168.4 (MANE Select); coding-DNA position 2189, G replaced by C.
Protein change: p.Ser730Thr; replaces serine 730 with threonine.
Molecular consequence: missense variant.
Genome position (GRCh38, 1-based): chr2:162,276,802, C>G on the plus strand (G>C on the coding strand, the complement: IFIH1 is on the minus strand). VCF-style: chr2-162276802-C-G. GRCh37 (hg19) VCF-style: chr2-163133312-C-G.
Other names: short protein forms S730T.
Identifiers: ClinVar variation 2933442 (VCV002933442.3), dbSNP rs375745122, ClinGen allele CA1934273.

ClinVar aggregate classification (germline): Uncertain significance (1 of 4 stars; one submission).

Conditions:
Singleton-Merten syndrome 1 (SGMRT1). Also called: Widened medullary cavities of bone, aortic calcification, abnormal dentition, and muscular weakness; Syndrome of widened medullary cavities of the metacarpals and phalanges, aortic calcification and abnormal dentition. Identifiers: Orphanet 85191, MedGen C4225427, MONDO:0024535, OMIM 182250.
Aicardi-Goutieres syndrome 7 (AGS7). Identifiers: Orphanet 51, MedGen C3888244, MONDO:0014367, OMIM 615846.

Allele frequency attached by ClinVar (database versions not stated): ESP Exome Variant Server 0.00015.
gnomAD v4.1: 7 of 1,613,904 alleles (0.00043%); highest among the groups gnomAD compares: African/African-American, 0.0067%; no homozygotes.

Submission:

Labcorp Genetics (formerly Invitae), Labcorp
Classification: Uncertain significance for Aicardi-Goutieres syndrome 7; Singleton-Merten syndrome 1. Last evaluated: 2024-06-28. Review status: criteria provided, single submitter. Criteria: Invitae Variant Classification Sherloc (09022015). Collection method: clinical testing. Allele origin: germline.
Comment: This sequence change replaces serine, which is neutral and polar, with threonine, which is neutral and polar, at codon 730 of the IFIH1 protein (p.Ser730Thr). This variant is present in population databases (rs375745122, gnomAD 0.02%). This variant has not been reported in the literature in individuals affected with IFIH1-related conditions. Advanced modeling of protein sequence and biophysical properties (such as structural, functional, and spatial information, amino acid conservation, physicochemical variation, residue mobility, and thermodynamic stability) has been performed at Invitae for this missense variant, however the output from this modeling did not meet the statistical confidence thresholds required to predict the impact of this variant on IFIH1 protein function. In summary, the available evidence is currently insufficient to determine the role of this variant in disease. Therefore, it has been classified as a Variant of Uncertain Significance.